The following is an entry in ClinVar:

NM_006208.3(ENPP1):c.617+6A>G

Gene: ENPP1 (ectonucleotide pyrophosphatase/phosphodiesterase 1; plus strand). Cytogenetic location: 6q23.2.
Variant type: single nucleotide variant.
Coding change: c.617+6A>G on transcript NM_006208.3 (MANE Select); 6 bases into the intron after coding-DNA position 617, A replaced by G.
Molecular consequence: intron variant.
Genome position (GRCh38, 1-based): chr6:131,852,241, A>G. VCF-style: chr6-131852241-A-G. GRCh37 (hg19) VCF-style: chr6-132173381-A-G.
Identifiers: ClinVar variation 3713921 (VCV003713921.2).

ClinVar aggregate classification (germline): Uncertain significance (1 of 4 stars; one submission).

gnomAD v4.1: 69 of 1,585,678 alleles (0.0044%); highest among the groups gnomAD compares: Non-Finnish European, 0.0056%; no homozygotes.

Submission:

Labcorp Genetics (formerly Invitae), Labcorp
Classification: Uncertain significance. Last evaluated: 2025-10-07. Review status: criteria provided, single submitter. Criteria: Invitae Variant Classification Sherloc (09022015). Collection method: clinical testing. Allele origin: germline.
Comment: This sequence change falls in intron 5 of the ENPP1 gene. It does not directly change the encoded amino acid sequence of the ENPP1 protein. It affects a nucleotide within the consensus splice site. This variant is present in population databases (no rsID available, gnomAD 0.004%). This variant has not been reported in the literature in individuals affected with ENPP1-related conditions. ClinVar contains an entry for this variant (Variation ID: 3713921). Variants that disrupt the consensus splice site are a relatively common cause of aberrant splicing (PMID: 17576681, 9536098). Algorithms developed to predict the effect of sequence changes on RNA splicing suggest that this variant is not likely to affect RNA splicing. In summary, the available evidence is currently insufficient to determine the role of this variant in disease. Therefore, it has been classified as a Variant of Uncertain Significance.

Literature cited by the submitters: PubMed 17576681; PubMed 9536098.